The following is an entry in ClinVar:

NM_001144967.3(NEDD4L):c.252A>G (p.Pro84=)

Gene: NEDD4L (NEDD4 like E3 ubiquitin protein ligase; plus strand). Cytogenetic location: 18q21.31.
Variant type: single nucleotide variant.
Coding change: c.252A>G on transcript NM_001144967.3 (MANE Select); coding-DNA position 252, A replaced by G.
Protein change: p.Pro84=; no amino-acid change (proline 84 retained).
Molecular consequence: synonymous variant. On other transcripts: 5 prime UTR variant (5).
Genome position (GRCh38, 1-based): chr18:58,252,009, A>G. VCF-style: chr18-58252009-A-G. GRCh37 (hg19) VCF-style: chr18-55919241-A-G.
Other names: c.-112A>G (NM_001144964.1, NM_001144965.2, NM_001144966.3 and 2 more transcripts); c.228A>G, p.Pro76= (NM_001144968.2, NM_001144969.2); c.252A>G, p.Pro84= (NM_001243960.2, NM_015277.6).
Identifiers: ClinVar variation 695371 (VCV000695371.12), dbSNP rs368888932, ClinGen allele CA8975280.

ClinVar aggregate classification (germline): Likely benign. Review status: criteria provided, multiple submitters, no conflicts (2 of 4 stars). 3 submissions from 3 submitters: Likely benign (3). Last evaluated 2026-09-01.

Conditions:
Periventricular nodular heterotopia 7 (PVNH7). Identifiers: MedGen C4310669, MONDO:0014966, OMIM 617201.

Allele frequency attached by ClinVar (database versions not stated): ExAC 0.00002; gnomAD exomes 0.00005 and 0.00009; ESP Exome Variant Server 0.00008; TOPMed 0.00008; gnomAD 0.00010 and 0.00011.
gnomAD v4.1: 147 of 1,571,906 alleles (0.0094%); highest among the groups gnomAD compares: Non-Finnish European, 0.012%; no homozygotes.

Submissions (3):

CeGaT Center for Human Genetics Tuebingen
Classification: Likely benign. Last evaluated: 2026-09-01. Review status: criteria provided, single submitter. Criteria: CeGaT Center For Human Genetics Tuebingen Variant Classification Criteria Version 2. Collection method: clinical testing. Allele origin: germline. Affected: yes. Observed: 1 variant allele.
Comment: NEDD4L: BP4, BP7

Labcorp Genetics (formerly Invitae), Labcorp
Classification: Likely benign. Last evaluated: 2026-01-19. Review status: criteria provided, single submitter. Criteria: Invitae Variant Classification Sherloc (09022015). Collection method: clinical testing. Allele origin: germline.

Fulgent Genetics
Classification: Likely benign for Periventricular nodular heterotopia 7. Last evaluated: 2021-10-18. Review status: criteria provided, single submitter. Criteria: ACMG Guidelines, 2015. Collection method: clinical testing. Allele origin: unknown.